The following is an entry in ClinVar:

ClinVar aggregate classification (germline): Uncertain significance (1 of 4 stars; one submission).

Allele frequency attached by ClinVar (database versions not stated): gnomAD exomes below 0.00001; gnomAD 0.00001; TOPMed 0.00003; ESP Exome Variant Server 0.00008.
gnomAD v4.1: 4 of 1,613,828 alleles (0.00025%); highest among the groups gnomAD compares: African/African-American, 0.0053%; no homozygotes.

Submission:

Labcorp Genetics (formerly Invitae), Labcorp
Classification: Uncertain significance. Last evaluated: 2022-02-22. Review status: criteria provided, single submitter. Criteria: Invitae Variant Classification Sherloc (09022015). Collection method: clinical testing. Allele origin: germline.
Comment: This sequence change replaces valine, which is neutral and non-polar, with alanine, which is neutral and non-polar, at codon 2653 of the PCLO protein (p.Val2653Ala). This variant is not present in population databases (gnomAD no frequency). This variant has not been reported in the literature in individuals affected with PCLO-related conditions. Algorithms developed to predict the effect of missense changes on protein structure and function output the following: SIFT: "Tolerated"; PolyPhen-2: "Not Available"; Align-GVGD: "Class C0". The alanine amino acid residue is found in multiple mammalian species, which suggests that this missense change does not adversely affect protein function. In summary, the available evidence is currently insufficient to determine the role of this variant in disease. Therefore, it has been classified as a Variant of Uncertain Significance.

NM_033026.6(PCLO):c.7958T>C (p.Val2653Ala)

Gene: PCLO (piccolo presynaptic cytomatrix protein; minus strand). Cytogenetic location: 7q21.11.
Variant type: single nucleotide variant.
Coding change: c.7958T>C on transcript NM_033026.6 (MANE Select); coding-DNA position 7958, T replaced by C.
Protein change: p.Val2653Ala; replaces valine 2653 with alanine.
Molecular consequence: missense variant.
Genome position (GRCh38, 1-based): chr7:82,952,995, A>G on the plus strand (T>C on the coding strand, the complement: PCLO is on the minus strand). VCF-style: chr7-82952995-A-G. GRCh37 (hg19) VCF-style: chr7-82582311-A-G.
Other names: c.7958T>C, p.Val2653Ala (NM_014510.3); short protein forms V2653A.
Identifiers: ClinVar variation 1462482 (VCV001462482.5), dbSNP rs375181842, ClinGen allele CA161145813.